The following is an entry in ClinVar:

NM_001098484.3(SLC4A4):c.898A>G (p.Ile300Val)

Gene: SLC4A4 (solute carrier family 4 member 4; plus strand). Cytogenetic location: 4q13.3.
Variant type: single nucleotide variant.
Coding change: c.898A>G on transcript NM_001098484.3 (MANE Select); coding-DNA position 898, A replaced by G.
Protein change: p.Ile300Val; replaces isoleucine 300 with valine.
Molecular consequence: missense variant.
Genome position (GRCh38, 1-based): chr4:71,440,706, A>G. VCF-style: chr4-71440706-A-G. GRCh37 (hg19) VCF-style: chr4-72306423-A-G.
Other names: c.898A>G, p.Ile300Val (NM_001134742.2); c.766A>G, p.Ile256Val (NM_003759.4); short protein forms I256V, I300V.
Identifiers: ClinVar variation 1978893 (VCV001978893.5), dbSNP rs747159754, ClinGen allele CA2954686.
Genomic context (GRCh38, chr4:71,440,706, plus strand): 5'-CGTGATGCAGAAGCTTCCAACGTGCTTGTTGGGGAGGTTGACTTTTTGGATACTCCTTTC[A>G]TTGCCTTTGTTAGGCTACAGCAGGCTGTCATGCTGGGTGCCCTGACTGAAGTTCCTGTGC-3'
Protein context (NP_001091954.1, residues 290-310): GEVDFLDTPF[Ile300Val]AFVRLQQAVM

ClinVar aggregate classification (germline): Uncertain significance. Review status: criteria provided, multiple submitters, no conflicts (2 of 4 stars). 2 submissions from 2 submitters: Uncertain significance (2). Last evaluated 2024-05-28.

Conditions:
Autosomal recessive proximal renal tubular acidosis (PRTAO). Also called: RENAL TUBULAR ACIDOSIS, PROXIMAL, WITH OCULAR ABNORMALITIES AND MENTAL RETARDATION; RENAL TUBULAR ACIDOSIS, PROXIMAL, WITH OCULAR ABNORMALITIES AND IMPAIRED INTELLECTUAL DEVELOPMENT; PROXIMAL RENAL TUBULAR ACIDOSIS-OCULAR ANOMALY SYNDROME; RTA, PROXIMAL, AUTOSOMAL RECESSIVE. Identifiers: Orphanet 93607, MedGen C1970309, MONDO:0011422, OMIM 604278.

Allele frequency attached by ClinVar (database versions not stated): ExAC 0.00003; gnomAD 0.00006; TOPMed 0.00007; gnomAD exomes 0.00009.
gnomAD v4.1: 149 of 1,613,972 alleles (0.0092%); highest among the groups gnomAD compares: Non-Finnish European, 0.012%; no homozygotes.

Submissions (2):

Fulgent Genetics
Classification: Uncertain significance for Autosomal recessive proximal renal tubular acidosis. Last evaluated: 2024-05-28. Review status: criteria provided, single submitter. Criteria: ACMG Guidelines, 2015. Collection method: clinical testing. Allele origin: germline.

Labcorp Genetics (formerly Invitae), Labcorp
Classification: Uncertain significance. Last evaluated: 2022-03-25. Review status: criteria provided, single submitter. Criteria: Invitae Variant Classification Sherloc (09022015). Collection method: clinical testing. Allele origin: germline.
Comment: In summary, the available evidence is currently insufficient to determine the role of this variant in disease. Therefore, it has been classified as a Variant of Uncertain Significance. Algorithms developed to predict the effect of missense changes on protein structure and function output the following: SIFT: "Tolerated"; PolyPhen-2: "Benign"; Align-GVGD: "Class C0". The valine amino acid residue is found in multiple mammalian species, which suggests that this missense change does not adversely affect protein function. This variant has not been reported in the literature in individuals affected with SLC4A4-related conditions. This variant is present in population databases (rs747159754, gnomAD 0.009%). This sequence change replaces isoleucine, which is neutral and non-polar, with valine, which is neutral and non-polar, at codon 256 of the SLC4A4 protein (p.Ile256Val).